The following is an entry in ClinVar:

ClinVar aggregate classification (germline): Likely benign. Review status: criteria provided, single submitter (1 of 4 stars). 2 submissions from 2 submitters: Likely benign (1). 1 of the submissions does not count toward it. Last evaluated 2024-11-13.

Conditions:
HIP1-related disorder. Also called: HIP1-related condition.

gnomAD v4.1: 75 of 1,556,768 alleles (0.0048%); highest among the groups gnomAD compares: Middle Eastern, 0.084%; 2 homozygotes.

Submissions (2):

Blueprint Genetics
Classification: Likely benign. Last evaluated: 2024-11-13. Review status: criteria provided, single submitter. Criteria: ACMG Guidelines, 2015. Collection method: clinical testing. Allele origin: germline.

PreventionGenetics, part of Exact Sciences
Classification: Likely benign for HIP1-related condition. Last evaluated: 2019-12-30. Review status: no assertion criteria provided. Collection method: clinical testing. Allele origin: germline. Not counted in ClinVar's aggregate classification.
Comment: This variant is classified as likely benign based on ACMG/AMP sequence variant interpretation guidelines (Richards et al. 2015 PMID: 25741868, with internal and published modifications).

NM_005338.7(HIP1):c.2559+7G>A

Gene: HIP1 (huntingtin interacting protein 1; minus strand). Cytogenetic location: 7q11.23.
Variant type: single nucleotide variant.
Coding change: c.2559+7G>A on transcript NM_005338.7 (MANE Select); 7 bases into the intron after coding-DNA position 2559, G replaced by A.
Molecular consequence: intron variant.
Genome position (GRCh38, 1-based): chr7:75,546,932, C>T on the plus strand (G>A on the coding strand, the complement: HIP1 is on the minus strand). VCF-style: chr7-75546932-C-T. GRCh37 (hg19) VCF-style: chr7-75176230-C-T.
Other names: c.2407-1744G>A (NM_001243198.3); c.2457+7G>A (NM_001382444.1); c.2472+7G>A (NM_001382445.1).
Identifiers: ClinVar variation 3040771 (VCV003040771.3), dbSNP rs201975785, ClinGen allele CA4301927.